The following is an entry in ClinVar:

NM_000463.3(UGT1A1):c.326T>C (p.Val109Ala)

Genes: UGT1A5 (UDP glucuronosyltransferase family 1 member A5; plus strand), UGT1A6 (UDP glucuronosyltransferase family 1 member A6; plus strand), UGT1A7 (UDP glucuronosyltransferase family 1 member A7; plus strand), UGT1A8 (UDP glucuronosyltransferase family 1 member A8; plus strand), UGT1A9 (UDP glucuronosyltransferase family 1 member A9; plus strand) and 5 more. Cytogenetic location: 2q37.1.
Variant type: single nucleotide variant.
Coding change: c.326T>C on transcript NM_000463.3 (MANE Select); coding-DNA position 326, T replaced by C.
Protein change: p.Val109Ala; replaces valine 109 with alanine.
Molecular consequence: missense variant. On other transcripts: intron variant (9).
Genome position (GRCh38, 1-based): chr2:233,760,613, T>C. VCF-style: chr2-233760613-T-C. GRCh37 (hg19) VCF-style: chr2-234669259-T-C.
Other names: p.Val109Ala; c.856-6421T>C (NM_019076.5, NM_019075.4, NM_021027.3 and 1 more transcripts); c.61-6421T>C (NM_205862.3); c.862-6421T>C (NM_001072.4); c.868-6421T>C (NM_019078.2, NM_007120.3, NM_019093.4); short protein forms V109A.
Identifiers: ClinVar variation 289882 (VCV000289882.31), dbSNP rs144217005, ClinGen allele CA2179806.

ClinVar aggregate classification (germline): Conflicting classifications of pathogenicity. Review status: criteria provided, conflicting classifications (1 of 4 stars). 8 submissions from 6 submitters: Uncertain significance (6); Likely benign (2). Last evaluated 2025-11-19.

Conditions:
Gilbert syndrome. Also called: Gilbert's syndrome; HYPERBILIRUBINEMIA I; HYPERBILIRUBINEMIA, ARIAS TYPE; HYPERBILIRUBINEMIA, GILBERT TYPE; Gilbert Disease. Identifiers: MedGen C0017551, MONDO:0007745, OMIM 143500.
Lucey-Driscoll syndrome (HBLRTFN). Also called: Transient familial neonatal hyperbilirubinemia. Identifiers: Orphanet 2312, MedGen C0270210, MONDO:0009383, OMIM 237900.
UGT1A1-related disorder. Also called: UGT1A1-related condition; UGT1A1-related disorders.
Crigler-Najjar syndrome. Identifiers: Orphanet 205, MedGen C5551003, MONDO:0009044.

Allele frequency attached by ClinVar (database versions not stated): gnomAD exomes 0.00007 and 0.00021; ExAC 0.00030; gnomAD 0.00090 and 0.00098; 1000 Genomes Project 30x 0.00094; 1000 Genomes Project 0.00100; TOPMed 0.00104; ESP Exome Variant Server 0.00115.
gnomAD v4.1: 247 of 1,614,256 alleles (0.015%); highest among the groups gnomAD compares: African/African-American, 0.3%; no homozygotes.

Submissions (8):

Labcorp Genetics (formerly Invitae), Labcorp
Classification: Likely benign. Last evaluated: 2025-11-19. Review status: criteria provided, single submitter. Criteria: Invitae Variant Classification Sherloc (09022015). Collection method: clinical testing. Allele origin: germline.

PreventionGenetics, part of Exact Sciences
Classification: Likely benign for UGT1A1-related condition. Last evaluated: 2025-08-13. Review status: criteria provided, single submitter. Criteria: ACMG Guidelines, 2015. Collection method: clinical testing. Allele origin: germline.
Comment: This variant is classified as likely benign based on ACMG/AMP sequence variant interpretation guidelines (Richards et al. 2015 PMID: 25741868, with internal and published modifications).

ARUP Laboratories, Molecular Genetics and Genomics, ARUP Laboratories
Classification: Uncertain significance. Last evaluated: 2025-02-20. Review status: criteria provided, single submitter. Criteria: ARUP Molecular Germline Variant Investigation Process 2024. Collection method: clinical testing. Allele origin: germline.
Comment: The UGT1A1 c.326T>C; p.Val109Ala variant (rs144217005), to our knowledge, is not reported in the medical literature but is reported in ClinVar (Variation ID: 289882). This variant is found in the African/African-American population with an allele frequency of 0.29% (73/24,946 alleles) in the Genome Aggregation Database (v2.1.1). Computational analyses predict that this variant is neutral (REVEL: 0.117). However, given the lack of clinical and functional data, the significance of this variant is uncertain at this time.

Mayo Clinic Laboratories, Mayo Clinic
Classification: Uncertain significance. Last evaluated: 2022-08-11. Review status: criteria provided, single submitter. Criteria: ACMG Guidelines, 2015. Collection method: clinical testing. Allele origin: germline. Observed: 3 variant alleles.
Comment: BP4

Eurofins Ntd Llc (ga)
Classification: Uncertain significance. Last evaluated: 2018-02-15. Review status: criteria provided, single submitter. Criteria: EGL ClinVar v180209 classification definitions. Collection method: clinical testing. Allele origin: germline. Observed: 8 variant alleles, 8 heterozygotes.

Illumina Laboratory Services, Illumina
Classification: Uncertain significance for Lucey-Driscoll syndrome. Last evaluated: 2017-04-27. Review status: criteria provided, single submitter. Criteria: ICSL Variant Classification Criteria 13 December 2019. Collection method: clinical testing. Allele origin: germline.
Comment: This variant was observed as part of a predisposition screen in an ostensibly healthy population. A literature search was performed for the gene, cDNA change, and amino acid change (where applicable). Publications were found based on this search. However, the evidence from the literature, in combination with allele frequency data from public databases where available, was not sufficient to rule this variant in or out of causing disease. Therefore, this variant is classified as a variant of unknown significance.

Illumina Laboratory Services, Illumina
Classification: Uncertain significance for Crigler-Najjar syndrome. Last evaluated: 2017-04-27. Review status: criteria provided, single submitter. Criteria: ICSL Variant Classification Criteria 13 December 2019. Collection method: clinical testing. Allele origin: germline.
Comment: the same text as in the submission from Illumina Laboratory Services, Illumina above.

Illumina Laboratory Services, Illumina
Classification: Uncertain significance for Gilbert syndrome. Last evaluated: 2017-04-27. Review status: criteria provided, single submitter. Criteria: ICSL Variant Classification Criteria 13 December 2019. Collection method: clinical testing. Allele origin: germline.
Comment: the same text as in the submission from Illumina Laboratory Services, Illumina above.

Literature cited by the submitters: PubMed 23875061 (cited by Mayo Clinic Laboratories, Mayo Clinic and Illumina Laboratory Services, Illumina); PubMed 23997956 (cited by Mayo Clinic Laboratories, Mayo Clinic and Illumina Laboratory Services, Illumina).